The following is an entry in ClinVar:

NM_015443.4(KANSL1):c.754A>G (p.Thr252Ala)

Gene: KANSL1 (KAT8 regulatory NSL complex subunit 1). Cytogenetic location: 17q21.31.
Variant type: single nucleotide variant.
Coding change: c.754A>G on transcript NM_015443.4 (MANE Select); coding-DNA position 754, A replaced by G.
Protein change: p.Thr252Ala; replaces threonine 252 with alanine.
Molecular consequence: missense variant.
Genome position (GRCh38, 1-based): chr17:46,171,390, T>C on the plus strand (A>G on the coding strand, the complement: KANSL1 is on the minus strand). VCF-style: chr17-46171390-T-C. GRCh37 (hg19) VCF-style: chr17-44248756-T-C.
Other names: c.754A>G, p.Thr252Ala (NM_001193465.2, NM_001193466.2, NM_001379198.1); short protein forms T252A.
Identifiers: ClinVar variation 1407329 (VCV001407329.5), dbSNP rs368487719, ClinGen allele CA8618970.
Genomic context (GRCh38, chr17:46,171,390, plus strand): 5'-AAGACAGGGGAGACTTTTTACCCTCCAATTTGACACCCCCCAAGTTAGAGCTGGAGTCTG[T>C]ACCAGGTGATAATCTACTGCTTCCTTGAAGTGCCGGCTGTTCCATGGAATTGACAGAGGA-3'
Protein context (NP_056258.1, residues 242-262): LQGSSRLSPG[Thr252Ala]DSSSNLGGVK

ClinVar aggregate classification (germline): Uncertain significance (1 of 4 stars; one submission).

Conditions:
Koolen-de Vries syndrome (KDVS). Identifiers: Orphanet 96169, MedGen C1864871, MONDO:0012496, OMIM 610443.

Allele frequency attached by ClinVar (database versions not stated): ExAC 0.00001; gnomAD 0.00001; gnomAD exomes 0.00001; ESP Exome Variant Server 0.00008.
gnomAD v4.1: 12 of 1,614,034 alleles (0.00074%); highest among the groups gnomAD compares: Non-Finnish European, 0.001%; no homozygotes.

Submission:

Labcorp Genetics (formerly Invitae), Labcorp
Classification: Uncertain significance for Koolen-de Vries syndrome. Last evaluated: 2021-09-17. Review status: criteria provided, single submitter. Criteria: Invitae Variant Classification Sherloc (09022015). Collection method: clinical testing. Allele origin: germline.
Comment: Due to the possible presence of a polymorphic segmental duplication, the location of the variant could not be unambiguously resolved. Variants with ambiguous mapping are still reported relative to the KANSL1 transcript. This sequence change replaces threonine with alanine at codon 252 of the KANSL1 protein (p.Thr252Ala). The threonine residue is moderately conserved and there is a small physicochemical difference between threonine and alanine. The frequency data for this variant in the population databases (ExAC) is considered unreliable due to the presence of homologous sequence, such as pseudogenes or paralogs, in the genome. This variant has not been reported in the literature in individuals with KANSL1-related conditions. Algorithms developed to predict the effect of missense changes on protein structure and function output the following: SIFT: "Tolerated"; PolyPhen-2: "Benign"; Align-GVGD: "Class C0". The alanine amino acid residue is found in multiple mammalian species, which suggests that this missense change does not adversely affect protein function. Until the location of this sequence change can be resolved, the clinical significance of this variant remains uncertain. It has been classified as a Variant of Uncertain Significance.